The following is an entry in ClinVar:

NM_015267.4(CUX2):c.1898G>A (p.Arg633Gln)

Gene: CUX2 (cut like homeobox 2; plus strand). Cytogenetic location: 12q24.12.
Variant type: single nucleotide variant.
Coding change: c.1898G>A on transcript NM_015267.4 (MANE Select); coding-DNA position 1898, G replaced by A.
Protein change: p.Arg633Gln; replaces arginine 633 with glutamine.
Molecular consequence: missense variant.
Genome position (GRCh38, 1-based): chr12:111,310,680, G>A. VCF-style: chr12-111310680-G-A. GRCh37 (hg19) VCF-style: chr12-111748484-G-A.
Other names: c.1712G>A, p.Arg571Gln (NM_001370598.1); short protein forms R571Q, R633Q.
Identifiers: ClinVar variation 4891020 (VCV004891020.1).

ClinVar aggregate classification (germline): Uncertain significance (1 of 4 stars; one submission).

Submission:

Greenwood Genetic Center Diagnostic Laboratories, Greenwood Genetic Center
Classification: Uncertain significance. Last evaluated: 2026-04-21. Review status: criteria provided, single submitter. Criteria: ACMG Guidelines, 2015. Collection method: clinical testing. Allele origin: germline.
Comment: PM2, PP2